The following is an entry in ClinVar:

NM_006859.4(LIAS):c.692T>G (p.Leu231Ter)

Gene: LIAS (lipoic acid synthetase; plus strand). Cytogenetic location: 4p14.
Variant type: single nucleotide variant.
Coding change: c.692T>G on transcript NM_006859.4 (MANE Select); coding-DNA position 692, T replaced by G.
Protein change: p.Leu231Ter; replaces leucine 231 with a stop codon.
Molecular consequence: nonsense. On other transcripts: intron variant (1).
Genome position (GRCh38, 1-based): chr4:39,467,601, T>G. VCF-style: chr4-39467601-T-G. GRCh37 (hg19) VCF-style: chr4-39469221-T-G.
Other names: c.383T>G, p.Leu128Ter (NM_001363700.2); c.692T>G, p.Leu231Ter (NM_194451.3); c.608+2259T>G (NM_001278590.2); short protein forms L128*, L231*.
Identifiers: ClinVar variation 3290638 (VCV003290638.1).

ClinVar aggregate classification (germline): Pathogenic (1 of 4 stars; one submission).

Conditions:
Inborn genetic diseases. Identifiers: MedGen C0950123, MeSH D030342.

Submission:

Ambry Genetics
Classification: Pathogenic for Inborn genetic diseases. Last evaluated: 2024-04-18. Review status: criteria provided, single submitter. Criteria: Ambry Variant Classification Scheme 2023. Collection method: clinical testing. Allele origin: germline.
Comment: The c.692T>G (p.L231*) alteration, located in exon 7 (coding exon 7) of the LIAS gene, consists of a T to G substitution at nucleotide position 692. This changes the amino acid from a leucine (L) to a stop codon at amino acid position 231. This alteration is expected to result in loss of function by premature protein truncation or nonsense-mediated mRNA decay. This variant was not reported in population-based cohorts in the Genome Aggregation Database (gnomAD). Based on the available evidence, this alteration is classified as pathogenic.